The following is an entry in ClinVar:

ClinVar aggregate classification (germline): Uncertain significance (1 of 4 stars; one submission).

Allele frequency attached by ClinVar (database versions not stated): gnomAD 0.00001; TOPMed 0.00003; ESP Exome Variant Server 0.00008.
gnomAD v4.1: 21 of 1,614,050 alleles (0.0013%); highest among the groups gnomAD compares: Non-Finnish European, 0.0015%; no homozygotes.

Submission:

Labcorp Genetics (formerly Invitae), Labcorp
Classification: Uncertain significance. Last evaluated: 2022-06-03. Review status: criteria provided, single submitter. Criteria: Invitae Variant Classification Sherloc (09022015). Collection method: clinical testing. Allele origin: germline.
Comment: This variant has not been reported in the literature in individuals affected with LCT-related conditions. In summary, the available evidence is currently insufficient to determine the role of this variant in disease. Therefore, it has been classified as a Variant of Uncertain Significance. Algorithms developed to predict the effect of missense changes on protein structure and function output the following: SIFT: "Not Available"; PolyPhen-2: "Benign"; Align-GVGD: "Not Available". The glutamine amino acid residue is found in multiple mammalian species, which suggests that this missense change does not adversely affect protein function. ClinVar contains an entry for this variant (Variation ID: 1432686). This variant is present in population databases (rs377420107, gnomAD 0.004%). This sequence change replaces arginine with glutamine at codon 114 of the LCT protein (p.Arg114Gln). The arginine residue is weakly conserved and there is a small physicochemical difference between arginine and glutamine.

NM_002299.4(LCT):c.341G>A (p.Arg114Gln)

Gene: LCT (lactase; minus strand). Cytogenetic location: 2q21.3.
Variant type: single nucleotide variant.
Coding change: c.341G>A on transcript NM_002299.4 (MANE Select); coding-DNA position 341, G replaced by A.
Protein change: p.Arg114Gln; replaces arginine 114 with glutamine.
Molecular consequence: missense variant.
Genome position (GRCh38, 1-based): chr2:135,836,829, C>T on the plus strand (G>A on the coding strand, the complement: LCT is on the minus strand). VCF-style: chr2-135836829-C-T. GRCh37 (hg19) VCF-style: chr2-136594399-C-T.
Other names: short protein forms R114Q.
Identifiers: ClinVar variation 1432686 (VCV001432686.6), dbSNP rs377420107, ClinGen allele CA1888658.